The following is an entry in ClinVar:

NM_001048174.2(MUTYH):c.1392+2C>T

Gene: MUTYH (mutY DNA glycosylase; minus strand). Cytogenetic location: 1p34.1.
Variant type: single nucleotide variant.
Coding change: c.1392+2C>T on transcript NM_001048174.2 (MANE Select); the canonical splice donor site of the intron after coding-DNA position 1392, C replaced by T.
Molecular consequence: splice donor variant.
Genome position (GRCh38, 1-based): chr1:45,331,180, G>A on the plus strand (C>T on the coding strand, the complement: MUTYH is on the minus strand). VCF-style: chr1-45331180-G-A. GRCh37 (hg19) VCF-style: chr1-45796852-G-A.
Other names: c.1392+2C>T (NM_001407072.1, NM_001407073.1, NM_001048171.2 and 6 more transcripts); c.1047+2C>T (NM_001350651.2, NM_001350650.2, NM_001407082.1); c.1116+2C>T (NM_001293192.2, NM_001293196.2, NM_001407091.1); c.1437+2C>T (NM_001293190.2); c.1425+2C>T (NM_001407069.1, NM_001407077.1, NM_001293191.2); c.1467+2C>T (NM_012222.3); c.1476+2C>T (NM_001128425.2); c.1395+2C>T (NM_001407071.1, NM_001048172.2, NM_001407078.1 and 1 more transcripts); and 5 more.
Identifiers: ClinVar variation 187040 (VCV000187040.52), dbSNP rs140288388, ClinGen allele CA012892.
Genomic context (GRCh38, chr1:45,331,180, plus strand): 5'-TATATTCATGTAGAACATGTAGGAAACACAAGGAAGTACAACAAAGACAACAAAGGTAGT[G>A]CCTTTTTCATGGCGGTGGAAACAGCTGCGGTGTGAAATTCCTCCTGCGTCAGCCAGCGAG-3'

ClinVar aggregate classification (germline): Conflicting classifications of pathogenicity. Review status: criteria provided, conflicting classifications (1 of 4 stars). 17 submissions from 17 submitters: Uncertain significance (9); Benign (2); Likely benign (3). 3 of the submissions do not count toward it. Last evaluated 2026-01-31.

Conditions:
MUTYH-related disorder. Also called: MUTYH-related condition; MUTYH-related disorders.
Hereditary cancer-predisposing syndrome. Also called: Neoplastic Syndromes, Hereditary; Tumor predisposition; Hereditary neoplastic syndrome; Hereditary Cancer Syndrome. Identifiers: Orphanet 140162, MedGen C0027672, MeSH D009386, MONDO:0015356.
Familial adenomatous polyposis 2. Also called: MUTYH Polyposis; ADENOMAS, MULTIPLE COLORECTAL, AUTOSOMAL RECESSIVE; MYH-associated polyposis; FAP type 2; Adenomas, multiple colorectal; MUTYH-related attenuated familial adenomatous polyposis. Identifiers: Orphanet 220460, Orphanet 247798, MedGen C3272841, MONDO:0012041, OMIM 608456.

Allele frequency attached by ClinVar (database versions not stated): gnomAD exomes 0.00005 and 0.00012; ExAC 0.00015; ESP Exome Variant Server 0.00031; gnomAD 0.00031 and 0.00035; TOPMed 0.00035; 1000 Genomes Project 30x 0.00125; 1000 Genomes Project 0.00160.

Submissions (17):

Labcorp Genetics (formerly Invitae), Labcorp
Classification: Likely benign for Familial adenomatous polyposis 2. Last evaluated: 2026-01-31. Review status: criteria provided, single submitter. Criteria: Invitae Variant Classification Sherloc (09022015). Collection method: clinical testing. Allele origin: germline.

Women's Health and Genetics/Laboratory Corporation of America, LabCorp
Classification: Uncertain significance. Last evaluated: 2025-10-31. Review status: criteria provided, single submitter. Criteria: LabCorp Variant Classification Summary - May 2015. Collection method: clinical testing. Allele origin: germline.
Comment: Variant summary: MUTYH c.1476+2C>T is located in a canonical splice-site and is predicted to affect mRNA splicing resulting in a significantly altered protein due to either exon skipping, shortening, or inclusion of intronic material. Variants that disrupt the consensus splice site are a relatively common cause of aberrant splicing and loss of MUTYH function. 4/4 computational tools predict that this variant strengthens the canonical 5' splicing donor site (i.e. it seems to change a non-classical splice site into a classic, consensus splice site), therefore no significant impact on normal splicing is expected. However, these predictions have yet to be confirmed by functional studies. The variant allele was found at a frequency of 0.00012 in 251488 control chromosomes, predominantly at a frequency of 0.0012 within the African or African-American subpopulation in the gnomAD database. This frequency is not significantly higher than estimated for disease-causing variants in MUTYH, allowing no conclusion about variant significance. c.1476+2C>T has been observed in the literature as a VUS in 2 individuals affected with breast cancer undergoing multigene panel testing (example, Tung_2014). This report does not provide unequivocal conclusions about association of the variant with MUTYH-Associated Polyposis. To our knowledge, no experimental evidence demonstrating an impact on protein function has been reported. The following publication has been ascertained in the context of this evaluation (PMID: 25186627). ClinVar contains an entry for this variant (Variation ID: 187040). Based on the evidence outlined above, the variant was classified as uncertain significance.

PreventionGenetics, part of Exact Sciences
Classification: Likely benign for MUTYH-related condition. Last evaluated: 2025-10-24. Review status: criteria provided, single submitter. Criteria: ACMG Guidelines, 2015. Collection method: clinical testing. Allele origin: germline.
Comment: This variant is classified as likely benign based on ACMG/AMP sequence variant interpretation guidelines (Richards et al. 2015 PMID: 25741868, with internal and published modifications).

Quest Diagnostics Nichols Institute San Juan Capistrano
Classification: Uncertain significance. Last evaluated: 2025-08-21. Review status: criteria provided, single submitter. Criteria: Quest Diagnostics criteria. Collection method: clinical testing. Allele origin: unknown.
Comment: The MUTYH c.1476+2C>T variant has been reported in the published literature in individuals with breast cancer (PMID: 25186627 (2015)) or other unspecified advanced cancers (PMID: 28873162 (2017)), as well as in a reportedly unaffected individual (PMID: 33471991 (2021), see also LOVD). The frequency of this variant in the general population (Genome Aggregation Database) is uninformative in the assessment of its pathogenicity. Analysis of this variant using software algorithms for the prediction of the effect of nucleotide changes on splicing yielded predictions that this variant does not affect MUTYH mRNA splicing. Based on the available information, we are unable to determine the clinical significance of this variant.

St. Jude Molecular Pathology, St. Jude Children's Research Hospital
Classification: Uncertain significance for Familial adenomatous polyposis 2. Last evaluated: 2025-06-17. Review status: criteria provided, single submitter. Criteria: St. Jude Assertion Criteria 2020. Collection method: clinical testing. Allele origin: germline.
Comment: The MUTYH c.1476+2C>T intronic change results in a C to T substitution at the +2 position of intron 14 of the MUTYH gene. This variant is predicted to change a non-canonical donor site into a canonical donor site. To our knowledge, this variant has not been reported in individuals with MUTYH-associated polyposis. This variant has a maximum subpopulation frequency of 0.11% in gnomAD v2.1.1. In summary, the evidence currently available is insufficient to determine the clinical significance of this variant. It has therefore been classified as of uncertain significance.

Color Diagnostics, LLC DBA Color Health
Classification: Likely benign for Hereditary cancer-predisposing syndrome. Last evaluated: 2025-06-05. Review status: criteria provided, single submitter. Criteria: ACMG Guidelines, 2015. Collection method: clinical testing. Allele origin: germline.

Center for Genomic Medicine, Rigshospitalet, Copenhagen University Hospital
Classification: Uncertain significance. Last evaluated: 2025-03-04. Review status: criteria provided, single submitter. Criteria: ACMG Guidelines, 2015. Collection method: clinical testing. Allele origin: germline.

All of Us Research Program, National Institutes of Health
Classification: Uncertain significance for Familial adenomatous polyposis 2. Last evaluated: 2024-08-06. Review status: criteria provided, single submitter. Criteria: ACMG Guidelines, 2015. Collection method: clinical testing. Allele origin: germline. Inheritance: Autosomal recessive inheritance. Observed: 23 variant alleles, 23 heterozygotes.
Comment: This variant causes a C to T nucleotide substitution at the +2 position of intron 14 of the MUTYH gene. To our knowledge, functional studies have not been reported for this variant. This variant has not been reported in individuals affected with hereditary cancer in the literature. This variant has been identified in 37/282888 chromosomes in the general population by the Genome Aggregation Database (gnomAD). The available evidence is insufficient to determine the role of this variant in disease conclusively. Therefore, this variant is classified as a Variant of Uncertain Significance.

This study involves interpretation of variants in research participants for the purpose of population health screening. Participant phenotype was not available at the time of variant classification. Additional details can be found in publication PMID: 35346344, PMCID: PMC8962531

Blueprint Genetics
Classification: Uncertain significance. Last evaluated: 2024-08-02. Review status: criteria provided, single submitter. Criteria: ACMG Guidelines, 2015. Collection method: clinical testing. Allele origin: germline.

Revvity Omics, Revvity
Classification: Uncertain significance for Familial adenomatous polyposis 2. Last evaluated: 2023-06-19. Review status: criteria provided, single submitter. Criteria: ACMG Guidelines, 2015. Collection method: clinical testing. Allele origin: germline.

Sema4
Classification: Uncertain significance for Hereditary cancer-predisposing syndrome. Last evaluated: 2022-03-08. Review status: criteria provided, single submitter. Criteria: Sema4 Curation Guidelines. Collection method: curation. Allele origin: germline.
Comment: The MUTYH c.1476+2C>T variant has been reported in at least three individuals with breast cancer (PMID: 25186627, 29684080), an individual with kidney cancer (PMID: 29684080), and an individual with advanced unspecified cancer (PMID: 28873162). This variant has also been reported in 0/60466 breast cancer cases and 1/53461 healthy controls by a large case-control study (PMID: 33471991). This variant affects a nucleotide within a non-canonical splice site of an intron and restores the canonical splice site sequence. This variant was observed in 27/24970 chromosomes in the African/African American population, including no homozygotes, according to the Genome Aggregation Database (PMID: 32461654) and has been reported in ClinVar (Variation ID: 187040). The overall evidence is inconsistent with ACMG/AMP requirements for the classification of benign or pathogenic. In summary, the clinical significance of this variant is currently uncertain.

Ambry Genetics
Classification: Benign for Hereditary cancer-predisposing syndrome. Last evaluated: 2019-10-11. Review status: criteria provided, single submitter. Criteria: Ambry Variant Classification Scheme 2023. Collection method: clinical testing. Allele origin: germline.

Mendelics
Classification: Uncertain significance for Familial adenomatous polyposis 2. Last evaluated: 2019-05-28. Review status: criteria provided, single submitter. Criteria: Mendelics Assertion Criteria 2017. Collection method: clinical testing. Allele origin: unknown.

GeneDx
Classification: Benign. Last evaluated: 2015-03-03. Review status: criteria provided, single submitter. Criteria: GeneDx Variant Classification Process June 2021. Collection method: clinical testing. Allele origin: germline. Affected: yes.

Counsyl
Classification: Uncertain significance for Familial adenomatous polyposis 2. Last evaluated: 2018-01-09. Review status: no assertion criteria provided. Collection method: clinical testing. Allele origin: unknown. Not counted in ClinVar's aggregate classification.

Department of Pathology and Laboratory Medicine, Sinai Health System
Classification: Uncertain significance. Review status: no assertion criteria provided. Collection method: clinical testing. Allele origin: unknown. Affected: yes. Observed: 1 variant allele. Study: The Canadian Open Genetics Repository (COGR). Not counted in ClinVar's aggregate classification.

Genomic Medicine Center of Excellence, King Faisal Specialist Hospital and Research Centre
Classification: Likely pathogenic for Familial adenomatous polyposis 2. Last evaluated: 2024-03-26. Review status: flagged submission. Criteria: ACMG Guidelines, 2015. Collection method: clinical testing. Allele origin: germline. Not counted in ClinVar's aggregate classification.
ClinVar note: Reason: Outlier claim with insufficient supporting evidence

Literature cited by the submitters: PubMed 25186627 (cited by 4 submitters); PubMed 28873162 (cited by Quest Diagnostics Nichols Institute San Juan Capistrano and Sema4); PubMed 29684080 (cited by Sema4); PubMed 33471991 (cited by Sema4).